The following is an entry in ClinVar:

NM_001256864.2(DNAJC6):c.1856G>A (p.Arg619His)

Gene: DNAJC6 (DnaJ heat shock protein family (Hsp40) member C6; plus strand). Cytogenetic location: 1p31.3.
Variant type: single nucleotide variant.
Coding change: c.1856G>A on transcript NM_001256864.2 (MANE Select); coding-DNA position 1856, G replaced by A.
Protein change: p.Arg619His; replaces arginine 619 with histidine.
Molecular consequence: missense variant.
Genome position (GRCh38, 1-based): chr1:65,392,818, G>A. VCF-style: chr1-65392818-G-A. GRCh37 (hg19) VCF-style: chr1-65858501-G-A.
Other names: p.Arg619His; c.1646G>A, p.Arg549His (NM_001256865.2); c.1685G>A, p.Arg562His (NM_014787.4); c.1685G>A (NM_014787.2); short protein forms R549H, R562H, R619H.
Identifiers: ClinVar variation 1380743 (VCV001380743.5), dbSNP rs139509177, ClinGen allele CA894010.

ClinVar aggregate classification (germline): Uncertain significance. Review status: criteria provided, multiple submitters, no conflicts (2 of 4 stars). 3 submissions from 3 submitters: Uncertain significance (3). Last evaluated 2025-01-19.

Conditions:
Juvenile onset Parkinson disease 19A. Also called: PARK19; DNAJC6 Parkinson Disease. Identifiers: Orphanet 391411, MedGen C3809811, MONDO:0014231, OMIM 615528.
Inborn genetic diseases. Identifiers: MedGen C0950123, MeSH D030342.

Allele frequency attached by ClinVar (database versions not stated): ESP Exome Variant Server 0.00015.
gnomAD v4.1: 51 of 1,562,828 alleles (0.0033%); highest among the groups gnomAD compares: African/African-American, 0.0096%; no homozygotes.

Submissions (3):

Mayo Clinic Laboratories, Mayo Clinic
Classification: Uncertain significance. Last evaluated: 2025-01-19. Review status: criteria provided, single submitter. Criteria: ACMG Guidelines, 2015. Collection method: clinical testing. Allele origin: germline. Observed: 1 variant allele.

Ambry Genetics
Classification: Uncertain significance for Inborn genetic diseases. Last evaluated: 2023-06-21. Review status: criteria provided, single submitter. Criteria: Ambry Variant Classification Scheme 2023. Collection method: clinical testing. Allele origin: germline.

Labcorp Genetics (formerly Invitae), Labcorp
Classification: Uncertain significance for Juvenile onset Parkinson disease 19A. Last evaluated: 2022-03-18. Review status: criteria provided, single submitter. Criteria: Invitae Variant Classification Sherloc (09022015). Collection method: clinical testing. Allele origin: germline.
Comment: This sequence change replaces arginine, which is basic and polar, with histidine, which is basic and polar, at codon 619 of the DNAJC6 protein (p.Arg619His). This variant is present in population databases (rs139509177, gnomAD 0.01%). This variant has not been reported in the literature in individuals affected with DNAJC6-related conditions. Algorithms developed to predict the effect of missense changes on protein structure and function (SIFT, PolyPhen-2, Align-GVGD) all suggest that this variant is likely to be tolerated. In summary, the available evidence is currently insufficient to determine the role of this variant in disease. Therefore, it has been classified as a Variant of Uncertain Significance.